The following is an entry in ClinVar:

NM_001365536.1(SCN9A):c.1708T>C (p.Phe570Leu)

Genes: SCN9A (sodium voltage-gated channel alpha subunit 9; minus strand), SCN1A-AS1 (SCN1A and SCN9A antisense RNA 1; plus strand). Cytogenetic location: 2q24.3.
Variant type: single nucleotide variant.
Coding change: c.1708T>C on transcript NM_001365536.1 (MANE Select); coding-DNA position 1708, T replaced by C.
Protein change: p.Phe570Leu; replaces phenylalanine 570 with leucine.
Molecular consequence: missense variant.
Genome position (GRCh38, 1-based): chr2:166,284,719, A>G on the plus strand (T>C on the coding strand, the complement: SCN9A is on the minus strand). VCF-style: chr2-166284719-A-G. GRCh37 (hg19) VCF-style: chr2-167141229-A-G.
Other names: c.1708T>C, p.Phe570Leu (NM_002977.4); short protein forms F570L.
Identifiers: ClinVar variation 2941049 (VCV002941049.3), dbSNP rs2468034151, ClinGen allele CA349083728.

ClinVar aggregate classification (germline): Uncertain significance (1 of 4 stars; one submission).

Conditions:
Neuropathy, hereditary sensory and autonomic, type 2A (HSAN2A). Also called: ACROOSTEOLYSIS, GIACCAI TYPE; ACROOSTEOLYSIS, NEUROGENIC; MORVAN DISEASE; NEUROPATHY, CONGENITAL SENSORY; NEUROPATHY, HEREDITARY SENSORY RADICULAR, AUTOSOMAL RECESSIVE; NEUROPATHY, HEREDITARY SENSORY, TYPE IIA. Identifiers: Orphanet 970, MedGen C2752089, MONDO:0024309, OMIM 201300.
Generalized epilepsy with febrile seizures plus, type 7 (GEFSP7). Also called: GEFS+, TYPE 7. Identifiers: Orphanet 36387, MedGen C2751778, MONDO:0013470, OMIM 613863.

Submission:

Labcorp Genetics (formerly Invitae), Labcorp
Classification: Uncertain significance for Neuropathy, hereditary sensory and autonomic, type 2A; Generalized epilepsy with febrile seizures plus, type 7. Last evaluated: 2022-10-27. Review status: criteria provided, single submitter. Criteria: Invitae Variant Classification Sherloc (09022015). Collection method: clinical testing. Allele origin: germline.
Comment: In summary, the available evidence is currently insufficient to determine the role of this variant in disease. Therefore, it has been classified as a Variant of Uncertain Significance. Advanced modeling of protein sequence and biophysical properties (such as structural, functional, and spatial information, amino acid conservation, physicochemical variation, residue mobility, and thermodynamic stability) performed at Invitae indicates that this missense variant is not expected to disrupt SCN9A protein function. This variant has not been reported in the literature in individuals affected with SCN9A-related conditions. This variant is not present in population databases (gnomAD no frequency). This sequence change replaces phenylalanine, which is neutral and non-polar, with leucine, which is neutral and non-polar, at codon 570 of the SCN9A protein (p.Phe570Leu).